The following is an entry in ClinVar:

ClinVar aggregate classification (germline): Uncertain significance. Review status: criteria provided, single submitter (1 of 4 stars). 3 submissions from 1 submitter: Uncertain significance (1). 2 of the submissions do not count toward it. Last evaluated 2022-08-03.

Conditions:
Ehlers-Danlos syndrome, dermatosparaxis type. Also called: EDS VIIC; Dermatosparaxis; Ehlers-Danlos syndrome, type VII, autosomal recessive. Identifiers: Orphanet 1901, MedGen C2700425, MONDO:0009161, OMIM 225410.
Sotos syndrome (SOTOS). Also called: CEREBRAL GIGANTISM; Sotos' syndrome; CHROMOSOME 5q35 DELETION SYNDROME; SOTOS SYNDROME 1; Distinctive facial appearance, overgrowth in childhood, and learning disabilities or delayed development. Identifiers: Orphanet 821, MedGen C0175695, MONDO:0019349, OMIM 117550.

Submissions (3):

Labcorp Genetics (formerly Invitae), Labcorp
Classification: Uncertain significance. Last evaluated: 2022-08-03. Review status: criteria provided, single submitter. Criteria: Invitae Variant Classification Sherloc (09022015). Collection method: clinical testing. Allele origin: germline.
Comment: A copy number gain of the genomic region encompassing the full coding sequence of the DDX41 gene has been identified. The boundaries of this event are unknown as they extend beyond the assayed region for this gene and therefore may encompass additional genes. As the precise location of this event is unknown, it may be in tandem or it may be located elsewhere in the genome. This variant has not been reported in the literature in individuals affected with DDX41-related conditions. Experimental studies and prediction algorithms are not available or were not evaluated, and the functional significance of this variant is currently unknown. In summary, the available evidence is currently insufficient to determine the role of this variant in disease. Therefore, it has been classified as a Variant of Uncertain Significance.

Labcorp Genetics (formerly Invitae), Labcorp
Classification: Uncertain significance. Last evaluated: 2022-07-25. Review status: flagged submission. Criteria: Invitae Variant Classification Sherloc (09022015). Collection method: clinical testing. Allele origin: germline. Not counted in ClinVar's aggregate classification.
Comment: A copy number gain of the genomic region encompassing the full coding sequence of the NSD1 gene has been identified. The boundaries of this event are unknown as they extend beyond the assayed region for this gene and therefore may encompass additional genes. As the precise location of this event is unknown, it may be in tandem or it may be located elsewhere in the genome. Isolated whole-gene copy number gains of NSD1 have not been reported in the literature. However, larger copy number events that include this gene have been reported (PMID: 16770806, 17090394, 21567906, 23599694, 23913520, 24819041, 28128410, 33389145). Algorithms developed to predict the effect of variants on protein structure and function are not available or were not evaluated for this variant. Experimental studies have shown that a similar copy number variant affects NSD1 function (PMID: 33389145). In summary, the available evidence is currently insufficient to determine the role of this variant in disease. Therefore, it has been classified as a Variant of Uncertain Significance.
ClinVar note: Reason: This record appears to be redundant with a more recent record from the same submitter.
ClinVar note: Notes: SCV003791914 appears to be redundant with SCV003843969.

Labcorp Genetics (formerly Invitae), Labcorp
Classification: Uncertain significance for Ehlers-Danlos syndrome, dermatosparaxis type. Last evaluated: 2022-07-25. Review status: flagged submission. Criteria: Invitae Variant Classification Sherloc (09022015). Collection method: clinical testing. Allele origin: germline. Not counted in ClinVar's aggregate classification.
Comment: A copy number gain of the genomic region encompassing the full coding sequence of the ADAMTS2 gene has been identified. The boundaries of this event are unknown as they extend beyond the assayed region for this gene and therefore may encompass additional genes. As the precise location of this event is unknown, it may be in tandem or it may be located elsewhere in the genome. This variant has not been reported in the literature in individuals affected with ADAMTS2-related conditions. In summary, the available evidence is currently insufficient to determine the role of this variant in disease. Therefore, it has been classified as a Variant of Uncertain Significance.
ClinVar note: Reason: This record appears to be redundant with a more recent record from the same submitter.
ClinVar note: Notes: SCV003792926 appears to be redundant with SCV003843969.

Literature cited by the submitters: PubMed 16770806; PubMed 17090394; PubMed 21567906; PubMed 23599694; PubMed 23913520; PubMed 24819041; PubMed 28128410; PubMed 33389145.

NC_000005.9:g.(?_175158654)_(179263593_?)dup

Genes: ADAMTS2 (ADAM metallopeptidase with thrombospondin type 1 motif 2; minus strand), ARL10 (ARF like GTPase 10; plus strand), B4GALT7 (beta-1,4-galactosyltransferase 7; plus strand), CANX (calnexin; plus strand), CBY3 (chibby family member 3; minus strand) and 60 more. Cytogenetic location: 5q35.2-35.3.
Variant type: Duplication.
Identifiers: ClinVar variation 2425922 (VCV002425922.27).